The following is an entry in ClinVar:

ClinVar aggregate classification (germline): Conflicting classifications of pathogenicity. Review status: criteria provided, conflicting classifications (1 of 4 stars). 2 submissions from 2 submitters: Likely pathogenic (1); Uncertain significance (1). Last evaluated 2022-07-17.

Conditions:
CNGA3-related disorders.

Allele frequency attached by ClinVar (database versions not stated): ExAC 0.00001.
gnomAD v4.1: 1 of 1,610,938 alleles (0.000062%); highest among the groups gnomAD compares: Non-Finnish European, 0.000085%; no homozygotes.

Submissions (2):

Labcorp Genetics (formerly Invitae), Labcorp
Classification: Uncertain significance. Last evaluated: 2022-07-17. Review status: criteria provided, single submitter. Criteria: Invitae Variant Classification Sherloc (09022015). Collection method: clinical testing. Allele origin: germline.
Comment: This sequence change replaces proline, which is neutral and non-polar, with leucine, which is neutral and non-polar, at codon 371 of the CNGA3 protein (p.Pro371Leu). This variant is present in population databases (rs764917021, gnomAD 0.0009%). This missense change has been observed in individual(s) with clinical features of CNGA3-related conditions (Invitae). In at least one individual the data is consistent with being in trans (on the opposite chromosome) from a pathogenic variant. Algorithms developed to predict the effect of missense changes on protein structure and function are either unavailable or do not agree on the potential impact of this missense change (SIFT: "Deleterious"; PolyPhen-2: "Benign"; Align-GVGD: "Class C0"). In summary, the available evidence is currently insufficient to determine the role of this variant in disease. Therefore, it has been classified as a Variant of Uncertain Significance.

Blueprint Genetics
Classification: Likely pathogenic for CNGA3-related disorders. Last evaluated: 2019-05-21. Review status: criteria provided, single submitter. Criteria: ACMG Guidelines, 2015. Collection method: clinical testing. Allele origin: germline. Affected: yes. Observed: 2 variant alleles.

NM_001298.3(CNGA3):c.1112C>T (p.Pro371Leu)

Gene: CNGA3 (cyclic nucleotide gated channel subunit alpha 3; plus strand). Cytogenetic location: 2q11.2.
Variant type: single nucleotide variant.
Coding change: c.1112C>T on transcript NM_001298.3 (MANE Select); coding-DNA position 1112, C replaced by T.
Protein change: p.Pro371Leu; replaces proline 371 with leucine.
Molecular consequence: missense variant.
Genome position (GRCh38, 1-based): chr2:98,396,282, C>T. VCF-style: chr2-98396282-C-T. GRCh37 (hg19) VCF-style: chr2-99012745-C-T.
Other names: c.1058C>T, p.Pro353Leu (NM_001079878.2); short protein forms P353L, P371L.
Identifiers: ClinVar variation 1903703 (VCV001903703.6), dbSNP rs764917021, ClinGen allele CA1793947.
Genomic context (GRCh38, chr2:98,396,282, plus strand): 5'-AGTACATTTACAGTCTCTACTGGTCCACCTTGACCCTTACCACCATTGGTGAGACCCCAC[C>T]CCCCGTGAAAGATGAGGAGTATCTCTTTGTGGTCGTAGACTTCTTGGTGGGTGTTCTGAT-3'
Protein context (NP_001289.1, residues 361-381): LTLTTIGETP[Pro371Leu]PVKDEEYLFV